The following is an entry in ClinVar:

ClinVar aggregate classification (germline): Conflicting classifications of pathogenicity. Review status: criteria provided, conflicting classifications (1 of 4 stars). 5 submissions from 5 submitters: Uncertain significance (3); Likely benign (1). 1 of the submissions does not count toward it. Last evaluated 2025-12-09.

Conditions:
Hereditary breast ovarian cancer syndrome. Also called: Hereditary breast and ovarian cancer syndrome; Hereditary breast and ovarian cancer; Hereditary breast and ovarian cancer syndrome (HBOC); Breast and ovarian cancer; Hereditary breast and/or ovarian cancer syndrome; BRCA1- and BRCA2-Associated Hereditary Breast and Ovarian Cancer. Identifiers: Orphanet 145, MedGen C0677776, MeSH D061325, MONDO:0003582. Disease mechanism: loss of function.
Breast-ovarian cancer, familial, susceptibility to, 2 (BROVCA2). Also called: BRCA2 Hereditary Breast and Ovarian Cancer. Identifiers: Orphanet 145, MedGen C2675520, MONDO:0012933, OMIM 612555. Disease mechanism: loss of function.
Hereditary cancer-predisposing syndrome. Also called: Neoplastic Syndromes, Hereditary; Tumor predisposition; Hereditary Cancer Syndrome; Hereditary neoplastic syndrome. Identifiers: Orphanet 140162, MedGen C0027672, MeSH D009386, MONDO:0015356.

Submissions (5):

Labcorp Genetics (formerly Invitae), Labcorp
Classification: Uncertain significance for Hereditary breast ovarian cancer syndrome. Last evaluated: 2025-12-09. Review status: criteria provided, single submitter. Criteria: Invitae Variant Classification Sherloc (09022015). Collection method: clinical testing. Allele origin: germline.
Comment: This sequence change replaces arginine, which is basic and polar, with lysine, which is basic and polar, at codon 668 of the BRCA2 protein (p.Arg668Lys). This variant is not present in population databases (gnomAD no frequency). This variant has not been reported in the literature in individuals affected with BRCA2-related conditions. ClinVar contains an entry for this variant (Variation ID: 51235). Invitae Evidence Modeling of protein sequence and biophysical properties (such as structural, functional, and spatial information, amino acid conservation, physicochemical variation, residue mobility, and thermodynamic stability) indicates that this missense variant is not expected to disrupt BRCA2 protein function with a negative predictive value of 95%. In summary, the available evidence is currently insufficient to determine the role of this variant in disease. Therefore, it has been classified as a Variant of Uncertain Significance.

Ambry Genetics
Classification: Uncertain significance for Hereditary cancer-predisposing syndrome. Last evaluated: 2025-06-30. Review status: criteria provided, single submitter. Criteria: Ambry Variant Classification Scheme 2023. Collection method: clinical testing. Allele origin: germline.
Comment: The p.R668K variant (also known as c.2003G>A), located in coding exon 10 of the BRCA2 gene, results from a G to A substitution at nucleotide position 2003. The arginine at codon 668 is replaced by lysine, an amino acid with highly similar properties. This amino acid position is well conserved in available vertebrate species. In addition, this alteration is predicted to be tolerated by in silico analysis. Since supporting evidence is limited at this time, the clinical significance of this alteration remains unclear.

GeneDx
Classification: Uncertain significance. Last evaluated: 2023-10-23. Review status: criteria provided, single submitter. Criteria: GeneDx Variant Classification Process June 2021. Collection method: clinical testing. Allele origin: germline. Affected: yes.
Comment: Not observed at significant frequency in large population cohorts (gnomAD); In silico analysis supports that this missense variant does not alter protein structure/function; Has not been previously published as pathogenic or benign to our knowledge; Also known as 2231G>A; This variant is associated with the following publications: (PMID: 29884841, 32377563, 31131967)

University of Washington Department of Laboratory Medicine, University of Washington
Classification: Likely benign for Hereditary cancer-predisposing syndrome. Last evaluated: 2023-03-23. Review status: criteria provided, single submitter. Criteria: Dines et al. (Genet Med. 2020). Collection method: curation. Allele origin: germline.
Comment: Missense variant in a coldspot region where missense variants are very unlikely to be pathogenic (PMID:31911673).

BRCA2 exon 11 coldspot. Reclassification based on statistical prior probability.

Breast Cancer Information Core (BIC) (BRCA2)
Classification: Uncertain significance for Breast-ovarian cancer, familial 2. Last evaluated: 2002-05-29. Review status: no assertion criteria provided. Collection method: clinical testing. Allele origin: germline. Affected: yes. Observed: 2 variant alleles. Not counted in ClinVar's aggregate classification.

NM_000059.4(BRCA2):c.2003G>A (p.Arg668Lys)

Gene: BRCA2 (BRCA2 DNA repair associated; plus strand). Cytogenetic location: 13q13.1.
Variant type: single nucleotide variant.
Coding change: c.2003G>A on transcript NM_000059.4 (MANE Select); coding-DNA position 2003, G replaced by A.
Protein change: p.Arg668Lys; replaces arginine 668 with lysine.
Molecular consequence: missense variant.
Genome position (GRCh38, 1-based): chr13:32,336,358, G>A. VCF-style: chr13-32336358-G-A. GRCh37 (hg19) VCF-style: chr13-32910495-G-A.
Other names: p.R668K:AGG>AAG; short protein forms R668K.
Identifiers: ClinVar variation 51235 (VCV000051235.18), dbSNP rs80358483, ClinGen allele CA014104.